The following is an entry in ClinVar:

NM_025243.4(SLC19A3):c.100T>G (p.Phe34Val)

Gene: SLC19A3 (solute carrier family 19 member 3; minus strand). Cytogenetic location: 2q36.3.
Variant type: single nucleotide variant.
Coding change: c.100T>G on transcript NM_025243.4 (MANE Select); coding-DNA position 100, T replaced by G.
Protein change: p.Phe34Val; replaces phenylalanine 34 with valine.
Molecular consequence: missense variant.
Genome position (GRCh38, 1-based): chr2:227,702,219, A>C on the plus strand (T>G on the coding strand, the complement: SLC19A3 is on the minus strand). VCF-style: chr2-227702219-A-C. GRCh37 (hg19) VCF-style: chr2-228566935-A-C.
Other names: short protein forms F34V.
Identifiers: ClinVar variation 661233 (VCV000661233.6), dbSNP rs201603239, ClinGen allele CA2149410.

ClinVar aggregate classification (germline): Uncertain significance (1 of 4 stars; one submission).

Conditions:
Biotin-responsive basal ganglia disease (BTBGD). Also called: Thiamine metabolism dysfunction syndrome 2 (biotin- or thiamine-responsive encephalopathy type 2); thiamine-responsive encephalopathy; THIAMINE METABOLISM DYSFUNCTION SYNDROME 2 (BIOTIN- AND THIAMINE-RESPONSIVE TYPE); Thiamine metabolism dysfunction syndrome type 2; Thiamine Transporter-2 Deficiency. Identifiers: Orphanet 199348, Orphanet 65284, MedGen C1843807, MONDO:0011841, OMIM 607483.

Allele frequency attached by ClinVar (database versions not stated): TOPMed below 0.00001; gnomAD exomes 0.00001; ExAC 0.00002.
gnomAD v4.1: 18 of 1,613,934 alleles (0.0011%); highest among the groups gnomAD compares: Non-Finnish European, 0.0014%; no homozygotes.

Submission:

Labcorp Genetics (formerly Invitae), Labcorp
Classification: Uncertain significance for Biotin-responsive basal ganglia disease. Last evaluated: 2021-08-26. Review status: criteria provided, single submitter. Criteria: Invitae Variant Classification Sherloc (09022015). Collection method: clinical testing. Allele origin: germline.
Comment: This sequence change replaces phenylalanine with valine at codon 34 of the SLC19A3 protein (p.Phe34Val). The phenylalanine residue is moderately conserved and there is a small physicochemical difference between phenylalanine and valine. This variant is present in population databases (rs201603239, ExAC 0.004%). This variant has not been reported in the literature in individuals affected with SLC19A3-related conditions. Algorithms developed to predict the effect of missense changes on protein structure and function are either unavailable or do not agree on the potential impact of this missense change (SIFT: "Tolerated"; PolyPhen-2: "Probably Damaging"; Align-GVGD: "Class C0"). In summary, the available evidence is currently insufficient to determine the role of this variant in disease. Therefore, it has been classified as a Variant of Uncertain Significance.